The following is an entry in ClinVar:

ClinVar aggregate classification (germline): Uncertain significance. Review status: criteria provided, multiple submitters, no conflicts (2 of 4 stars). 2 submissions from 2 submitters: Uncertain significance (2). Last evaluated 2023-07-15.

Conditions:
Familial cancer of breast. Also called: Hereditary breast cancer; hereditary breast carcinoma; BREAST CANCER, FAMILIAL. Identifiers: Orphanet 227535, MedGen C0346153, MONDO:0016419, OMIM 114480. Disease mechanism: loss of function.
Fanconi anemia complementation group J. Also called: BRIP1-Related Fanconi Anemia. Identifiers: Orphanet 84, MedGen C1836860, MONDO:0012187, OMIM 609054.
Hereditary cancer-predisposing syndrome. Also called: Hereditary Cancer Syndrome; Neoplastic Syndromes, Hereditary; Hereditary neoplastic syndrome; Tumor predisposition. Identifiers: Orphanet 140162, MedGen C0027672, MeSH D009386, MONDO:0015356.

Submissions (2):

Ambry Genetics
Classification: Uncertain significance for Hereditary cancer-predisposing syndrome. Last evaluated: 2023-07-15. Review status: criteria provided, single submitter. Criteria: Ambry Variant Classification Scheme 2023. Collection method: clinical testing. Allele origin: germline.
Comment: The p.S505P variant (also known as c.1513T>C), located in coding exon 10 of the BRIP1 gene, results from a T to C substitution at nucleotide position 1513. The serine at codon 505 is replaced by proline, an amino acid with similar properties. This amino acid position is not well conserved in available vertebrate species. In addition, this alteration is predicted to be tolerated by in silico analysis. Since supporting evidence is limited at this time, the clinical significance of this alteration remains unclear.

Labcorp Genetics (formerly Invitae), Labcorp
Classification: Uncertain significance for Familial cancer of breast; Fanconi anemia complementation group J. Last evaluated: 2019-05-01. Review status: criteria provided, single submitter. Criteria: Invitae Variant Classification Sherloc (09022015). Collection method: clinical testing. Allele origin: germline.
Comment: In summary, the available evidence is currently insufficient to determine the role of this variant in disease. Therefore, it has been classified as a Variant of Uncertain Significance. Algorithms developed to predict the effect of missense changes on protein structure and function output the following: SIFT: "Tolerated"; PolyPhen-2: "Benign"; Align-GVGD: "Class C0". The proline amino acid residue is found in multiple mammalian species, suggesting that this missense change does not adversely affect protein function. These predictions have not been confirmed by published functional studies and their clinical significance is uncertain. This variant has not been reported in the literature in individuals with BRIP1-related conditions. This variant is not present in population databases (ExAC no frequency). This sequence change replaces serine with proline at codon 505 of the BRIP1 protein (p.Ser505Pro). The serine residue is weakly conserved and there is a moderate physicochemical difference between serine and proline.

NM_032043.3(BRIP1):c.1513T>C (p.Ser505Pro)

Gene: BRIP1 (BRCA1 interacting DNA helicase 1; minus strand). Cytogenetic location: 17q23.2.
Variant type: single nucleotide variant.
Coding change: c.1513T>C on transcript NM_032043.3 (MANE Select); coding-DNA position 1513, T replaced by C.
Protein change: p.Ser505Pro; replaces serine 505 with proline.
Molecular consequence: missense variant.
Genome position (GRCh38, 1-based): chr17:61,784,385, A>G on the plus strand (T>C on the coding strand, the complement: BRIP1 is on the minus strand). VCF-style: chr17-61784385-A-G. GRCh37 (hg19) VCF-style: chr17-59861746-A-G.
Other names: short protein forms S505P.
Identifiers: ClinVar variation 819432 (VCV000819432.15), dbSNP rs1603337009, ClinGen allele CA400481356.